The following is an entry in ClinVar:

ClinVar aggregate classification (germline): Likely benign (1 of 4 stars; one submission).

Allele frequency attached by ClinVar (database versions not stated): gnomAD 0.00004; ExAC 0.00006.
gnomAD v4.1: 27 of 1,199,469 alleles (0.0023%); highest among the groups gnomAD compares: Non-Finnish European, 0.00045%; no homozygotes.

Submission:

CeGaT Center for Human Genetics Tuebingen
Classification: Likely benign. Last evaluated: 2024-01-01. Review status: criteria provided, single submitter. Criteria: CeGaT Center For Human Genetics Tuebingen Variant Classification Criteria Version 2. Collection method: clinical testing. Allele origin: germline. Affected: yes. Observed: 1 variant allele.
Comment: DDX3X: PP2, BS2

NM_001356.5(DDX3X):c.1025+34G>C

Gene: DDX3X (DEAD-box helicase 3 X-linked; plus strand). Cytogenetic location: Xp11.4.
Variant type: single nucleotide variant.
Coding change: c.1025+34G>C on transcript NM_001356.5 (MANE Select); 34 bases into the intron after coding-DNA position 1025, G replaced by C.
Molecular consequence: intron variant.
Genome position (GRCh38, 1-based): chrX:41,344,433, G>C. VCF-style: chrX-41344433-G-C. GRCh37 (hg19) VCF-style: chrX-41203686-G-C.
Other names: c.1025+34G>C (NM_001193416.3); c.977+34G>C (NM_001193417.3); c.467+34G>C (NM_001363819.1).
Identifiers: ClinVar variation 3026972 (VCV003026972.22), dbSNP rs769746384, ClinGen allele CA10389542.